The following is an entry in ClinVar:

ClinVar aggregate classification (germline): Uncertain significance (1 of 4 stars; one submission).

Conditions:
Joubert syndrome 18 (JBTS18). Identifiers: Orphanet 2754, MedGen C3553758, MONDO:0013896, OMIM 614815.
Orofacial-digital syndrome IV (OFD4). Also called: BARAITSER-BURN SYNDROME; OFD SYNDROME WITH TIBIAL DEFECTS; OFD SYNDROME, BARAITSER-BURN TYPE; OFDS IV; ORAL-FACIAL-DIGITAL SYNDROME, TYPE IV; MOHR-MAJEWSKI SYNDROME. Identifiers: Orphanet 2753, MedGen C0406727, MONDO:0009794, OMIM 258860.

Submission:

Labcorp Genetics (formerly Invitae), Labcorp
Classification: Uncertain significance for Joubert syndrome 18; Orofacial-digital syndrome IV. Last evaluated: 2022-08-09. Review status: criteria provided, single submitter. Criteria: Invitae Variant Classification Sherloc (09022015). Collection method: clinical testing. Allele origin: germline.
Comment: In summary, the available evidence is currently insufficient to determine the role of this variant in disease. Therefore, it has been classified as a Variant of Uncertain Significance. Algorithms developed to predict the effect of missense changes on protein structure and function are either unavailable or do not agree on the potential impact of this missense change (SIFT: "Deleterious"; PolyPhen-2: "Possibly Damaging"; Align-GVGD: "Class C0"). This variant has not been reported in the literature in individuals affected with TCTN3-related conditions. This variant is not present in population databases (gnomAD no frequency). This sequence change replaces glycine, which is neutral and non-polar, with glutamic acid, which is acidic and polar, at codon 236 of the TCTN3 protein (p.Gly236Glu).

NM_015631.6(TCTN3):c.707G>A (p.Gly236Glu)

Gene: TCTN3 (tectonic family member 3; minus strand). Cytogenetic location: 10q24.1.
Variant type: single nucleotide variant.
Coding change: c.707G>A on transcript NM_015631.6 (MANE Select); coding-DNA position 707, G replaced by A.
Protein change: p.Gly236Glu; replaces glycine 236 with glutamic acid.
Molecular consequence: missense variant. On other transcripts: intron variant (1).
Genome position (GRCh38, 1-based): chr10:95,687,276, C>T on the plus strand (G>A on the coding strand, the complement: TCTN3 is on the minus strand). VCF-style: chr10-95687276-C-T. GRCh37 (hg19) VCF-style: chr10-97447033-C-T.
Other names: c.761G>A, p.Gly254Glu (NM_001013840.1); c.707G>A, p.Gly236Glu (NM_001410982.1); c.500-117G>A (NM_001143973.2); short protein forms G236E, G254E.
Identifiers: ClinVar variation 1715944 (VCV001715944.5), dbSNP rs2492762228, ClinGen allele CA377707550.